The following is an entry in ClinVar:

ClinVar aggregate classification (germline): Uncertain significance (1 of 4 stars; one submission).

Conditions:
Arrhythmogenic cardiomyopathy with wooly hair and keratoderma. Also called: Carvajal syndrome; PALMOPLANTAR KERATODERMA WITH LEFT VENTRICULAR CARDIOMYOPATHY AND WOOLLY HAIR; Dilated cardiomyopathy with woolly hair and keratoderma; Arrhythmogenic cardiomyopathy with woolly hair and keratoderma. Identifiers: Orphanet 65282, MedGen C1854063, MONDO:0011581, OMIM 605676.
Arrhythmogenic right ventricular dysplasia 8 (ARVD8). Also called: Arrhythmogenic Right Ventricular Dysplasia/Cardiomyopathy 8; ARRHYTHMOGENIC RIGHT VENTRICULAR DYSPLASIA, FAMILIAL, 8; ARRHYTHMOGENIC RIGHT VENTRICULAR CARDIOMYOPATHY 8. Identifiers: MedGen C1843896, MONDO:0011831, OMIM 607450.

gnomAD v4.1: 1 of 1,613,762 alleles (0.000062%); highest among the groups gnomAD compares: African/African-American, 0.0013%; no homozygotes.

Submission:

Labcorp Genetics (formerly Invitae), Labcorp
Classification: Uncertain significance for Arrhythmogenic cardiomyopathy with wooly hair and keratoderma; Arrhythmogenic right ventricular dysplasia 8. Last evaluated: 2020-10-24. Review status: criteria provided, single submitter. Criteria: Invitae Variant Classification Sherloc (09022015). Collection method: clinical testing. Allele origin: germline.
Comment: In summary, the available evidence is currently insufficient to determine the role of this variant in disease. Therefore, it has been classified as a Variant of Uncertain Significance. Algorithms developed to predict the effect of missense changes on protein structure and function are either unavailable or do not agree on the potential impact of this missense change (SIFT: "Deleterious"; PolyPhen-2: "Probably Damaging"; Align-GVGD: "Class C0"). This variant has not been reported in the literature in individuals with DSP-related conditions. This variant is not present in population databases (ExAC no frequency). This sequence change replaces leucine with methionine at codon 1769 of the DSP protein (p.Leu1769Met). The leucine residue is highly conserved and there is a small physicochemical difference between leucine and methionine.

NM_004415.4(DSP):c.5305C>A (p.Leu1769Met)

Gene: DSP (desmoplakin; plus strand). Cytogenetic location: 6p24.3.
Variant type: single nucleotide variant.
Coding change: c.5305C>A on transcript NM_004415.4 (MANE Select); coding-DNA position 5305, C replaced by A.
Protein change: p.Leu1769Met; replaces leucine 1769 with methionine.
Molecular consequence: missense variant. On other transcripts: intron variant (2).
Genome position (GRCh38, 1-based): chr6:7,581,495, C>A. VCF-style: chr6-7581495-C-A. GRCh37 (hg19) VCF-style: chr6-7581728-C-A.
Other names: c.4051-1147C>A (NM_001319034.2); c.3583-1147C>A (NM_001008844.3); short protein forms L1769M.
Identifiers: ClinVar variation 953947 (VCV000953947.10), dbSNP rs946445410, ClinGen allele CA362688300.
Genomic context (GRCh38, chr6:7,581,495, plus strand): 5'-ATCTTGGAACTAAGGAGCCAGCTGCAGATCAGCAACAACCGGACCCTGGAACTGCAGGGG[C>A]TGATTAATGATTTACAGAGAGAGAGGGAAAATTTGAGACAGGAAATTGAGAAATTCCAAA-3'
Protein context (NP_004406.2, residues 1759-1779): SNNRTLELQG[Leu1769Met]INDLQREREN